The following is an entry in ClinVar:

ClinVar aggregate classification (germline): Pathogenic (1 of 4 stars; one submission).

Conditions:
Intellectual developmental disorder, X-linked 93. Also called: MENTAL RETARDATION, X-LINKED, WITH MACROCEPHALY; Intellectual disability, X-linked 93. Identifiers: MedGen C1970841, MONDO:0010393, OMIM 300659.

Submission:

Victorian Clinical Genetics Services, Murdoch Childrens Research Institute
Classification: Pathogenic for Intellectual developmental disorder, X-linked 93. Last evaluated: 2025-06-27. Review status: criteria provided, single submitter. Criteria: ACMG Guidelines, 2015. Collection method: clinical testing. Allele origin: germline. Affected: yes.
Comment: This variant is classified as Pathogenic. Evidence in support of pathogenic classification: Variant is predicted to cause nonsense-mediated decay (NMD) and loss of protein (premature termination codon is located at least 54 nucleotides upstream of the final exon-exon junction); Variant is absent from gnomAD (v2, v3 and v4); Other NMD-predicted variants comparable to the one identified in this case have very strong previous evidence for pathogenicity (ClinVar). Additional information: This variant is hemizygous; This gene is associated with X-linked disease. Heterozygous variants have been reported in affected females (PMIDs: 17668385, 36514184, 36414205); This variant has no previous evidence of pathogenicity; No published segregation evidence has been identified for this variant; No published functional evidence has been identified for this variant; Loss of function is a known mechanism of disease in this gene and is associated with intellectual developmental disorder, X-linked 93 (MIM#300659); Inheritance information for this variant is not currently available in this individual.

Literature cited by the submitters: PubMed 36514184; PubMed 36414205; PubMed 17668385.

NM_153252.5(BRWD3):c.2620C>T (p.Gln874Ter)

Gene: BRWD3 (bromodomain and WD repeat domain containing 3; minus strand). Cytogenetic location: Xq21.1.
Variant type: single nucleotide variant.
Coding change: c.2620C>T on transcript NM_153252.5 (MANE Select); coding-DNA position 2620, C replaced by T.
Protein change: p.Gln874Ter; replaces glutamine 874 with a stop codon.
Molecular consequence: nonsense.
Genome position (GRCh38, 1-based): chrX:80,704,779, G>A on the plus strand (C>T on the coding strand, the complement: BRWD3 is on the minus strand). VCF-style: chrX-80704779-G-A. GRCh37 (hg19) VCF-style: chrX-79960278-G-A.
Other names: c.2470C>T, p.Gln824Ter (NM_001441339.1); short protein forms Q824*, Q874*.
Identifiers: ClinVar variation 4531358 (VCV004531358.1).
Genomic context (GRCh38, chrX:80,704,779, plus strand): 5'-GGGACTTCAAATTTTCCTCATCAGAGCTGCTGCATATTTTACGTGTTGTCTGTCTGGTTT[G>A]TCTTTTTGGGGGTTGTAAATTTATTCCAGCATCTGCTGTCCAATCAGAATATTCACTTGA-3'